The following is an entry in ClinVar:

ClinVar aggregate classification (germline): Pathogenic/Likely pathogenic. Review status: criteria provided, multiple submitters, no conflicts (2 of 4 stars). 3 submissions from 3 submitters: Pathogenic (1); Likely pathogenic (2). Last evaluated 2026-05-08.

Conditions:
Hereditary cancer-predisposing syndrome. Also called: Neoplastic Syndromes, Hereditary; Hereditary Cancer Syndrome; Tumor predisposition; Hereditary neoplastic syndrome. Identifiers: Orphanet 140162, MedGen C0027672, MeSH D009386, MONDO:0015356.
Gorlin syndrome. Also called: Basal cell nevus syndrome; Nevoid Basal Cell Carcinoma Syndrome. Identifiers: Orphanet 377, MedGen C0004779, MONDO:0007187.

Submissions (3):

Ambry Genetics
Classification: Likely pathogenic for Hereditary cancer-predisposing syndrome. Last evaluated: 2026-05-08. Review status: criteria provided, single submitter. Criteria: Ambry Variant Classification Scheme 2023. Collection method: clinical testing. Allele origin: germline.
Comment: The p.Q501R variant (also known as c.1502A>G), located in coding exon 10 of the PTCH1 gene, results from an A to G substitution at nucleotide position 1502. The glutamine at codon 501 is replaced by arginine, an amino acid with highly similar properties. This variant was reported in individual(s) with features consistent with PTCH1-related nevoid basal cell carcinoma syndrome (Morita K et al. PLoS One. 2015 Nov;10:e0140480; Ambry internal data). This amino acid position is highly conserved in available vertebrate species. In addition, this alteration is predicted to be deleterious by in silico analysis. This variant is considered to be rare based on population cohorts in the Genome Aggregation Database (gnomAD). Based on the majority of available evidence to date, this variant is likely to be pathogenic.

Labcorp Genetics (formerly Invitae), Labcorp
Classification: Likely pathogenic for Gorlin syndrome. Last evaluated: 2021-03-09. Review status: criteria provided, single submitter. Criteria: Invitae Variant Classification Sherloc (09022015). Collection method: clinical testing. Allele origin: germline.
Comment: This sequence change replaces glutamine with arginine at codon 501 of the PTCH1 protein (p.Gln501Arg). The glutamine residue is moderately conserved and there is a small physicochemical difference between glutamine and arginine. This variant is not present in population databases (ExAC no frequency). This variant has been observed in individual(s) with Gorlin syndrome (PMID: 26544948, Invitae). It has also been observed to segregate with disease in related individuals. ClinVar contains an entry for this variant (Variation ID: 217294). Algorithms developed to predict the effect of missense changes on protein structure and function are either unavailable or do not agree on the potential impact of this missense change (SIFT: "Deleterious"; PolyPhen-2: "Possibly Damaging"; Align-GVGD: "Class C0"). Algorithms developed to predict the effect of sequence changes on RNA splicing suggest that this variant may disrupt the consensus splice site, but this prediction has not been confirmed by published transcriptional studies. In summary, the currently available evidence indicates that the variant is pathogenic, but additional data are needed to prove that conclusively. Therefore, this variant has been classified as Likely Pathogenic.

Oral and Maxillofacial Surgery, Tokyo Medical and Dental University
Classification: Pathogenic for Gorlin syndrome. Last evaluated: 2015-09-28. Review status: criteria provided, single submitter. Criteria: Submitter's publication. Collection method: clinical testing. Allele origin: maternal. Affected: yes. Observed: 3 variant alleles. Clinical features observed: Keratocystic odontogenic tumors of jaws, Rib anomaly, Pits of palms and soles.

Literature cited by the submitters: PubMed 26544948 (cited by Ambry Genetics and Labcorp Genetics (formerly Invitae), Labcorp).

NM_000264.5(PTCH1):c.1502A>G (p.Gln501Arg)

Gene: PTCH1 (patched 1; minus strand). Cytogenetic location: 9q22.32.
Variant type: single nucleotide variant.
Coding change: c.1502A>G on transcript NM_000264.5 (MANE Select); coding-DNA position 1502, A replaced by G.
Protein change: p.Gln501Arg; replaces glutamine 501 with arginine.
Molecular consequence: missense variant. On other transcripts: non-coding transcript variant (1), intron variant (1).
Genome position (GRCh38, 1-based): chr9:95,477,548, T>C on the plus strand (A>G on the coding strand, the complement: PTCH1 is on the minus strand). VCF-style: chr9-95477548-T-C. GRCh37 (hg19) VCF-style: chr9-98239830-T-C.
Other names: c.1304A>G, p.Gln435Arg (NM_001083602.3); c.1499A>G, p.Gln500Arg (NM_001083603.3); c.1049A>G, p.Gln350Arg (NM_001083604.3, NM_001083605.3, NM_001083606.3 and 1 more transcripts); c.1347+507A>G (NM_001354918.2); short protein forms Q435R, Q501R, Q350R, Q500R.
Identifiers: ClinVar variation 217294 (VCV000217294.12), dbSNP rs863225054, ClinGen allele CA279150.